The following is an entry in ClinVar:

NM_213599.3(ANO5):c.2503T>G (p.Phe835Val)

Gene: ANO5 (anoctamin 5; plus strand). Cytogenetic location: 11p14.3.
Variant type: single nucleotide variant.
Coding change: c.2503T>G on transcript NM_213599.3 (MANE Select); coding-DNA position 2503, T replaced by G.
Protein change: p.Phe835Val; replaces phenylalanine 835 with valine.
Molecular consequence: missense variant.
Genome position (GRCh38, 1-based): chr11:22,276,182, T>G. VCF-style: chr11-22276182-T-G. GRCh37 (hg19) VCF-style: chr11-22297728-T-G.
Other names: c.2500T>G, p.Phe834Val (NM_001142649.2); short protein forms F834V, F835V.
Identifiers: ClinVar variation 1353650 (VCV001353650.7), dbSNP rs374725506, ClinGen allele CA218777876.

ClinVar aggregate classification (germline): Uncertain significance. Review status: criteria provided, multiple submitters, no conflicts (2 of 4 stars). 2 submissions from 2 submitters: Uncertain significance (2). Last evaluated 2025-05-05.

Conditions:
Gnathodiaphyseal dysplasia (GDD). Also called: GNATHODIAPHYSEAL SCLEROSIS; OSTEOGENESIS IMPERFECTA WITH UNUSUAL SKELETAL LESIONS. Identifiers: Orphanet 53697, MedGen C1833736, MONDO:0008151, OMIM 166260.
Autosomal recessive limb-girdle muscular dystrophy type 2L (LGMDR12). Also called: Limb-girdle muscular dystrophy, type 2L; MUSCULAR DYSTROPHY, LIMB-GIRDLE, AUTOSOMAL RECESSIVE 12; Limb-Girdle Muscular Dystrophy R12 Anoctamin-5-Related (LGMD-R12). Identifiers: Orphanet 206549, MedGen C1969785, MONDO:0012652, OMIM 611307.

Allele frequency attached by ClinVar (database versions not stated): gnomAD 0.00002; TOPMed 0.00002; ESP Exome Variant Server 0.00008.
gnomAD v4.1: 4 of 1,609,420 alleles (0.00025%); highest among the groups gnomAD compares: African/African-American, 0.0053%; no homozygotes.

Submissions (2):

Labcorp Genetics (formerly Invitae), Labcorp
Classification: Uncertain significance for Autosomal recessive limb-girdle muscular dystrophy type 2L; Gnathodiaphyseal dysplasia. Last evaluated: 2025-05-05. Review status: criteria provided, single submitter. Criteria: Invitae Variant Classification Sherloc (09022015). Collection method: clinical testing. Allele origin: germline.
Comment: This sequence change replaces phenylalanine, which is neutral and non-polar, with valine, which is neutral and non-polar, at codon 835 of the ANO5 protein (p.Phe835Val). This variant is present in population databases (rs374725506, gnomAD 0.008%). This variant has not been reported in the literature in individuals affected with ANO5-related conditions. ClinVar contains an entry for this variant (Variation ID: 1353650). Invitae Evidence Modeling of protein sequence and biophysical properties (such as structural, functional, and spatial information, amino acid conservation, physicochemical variation, residue mobility, and thermodynamic stability) indicates that this missense variant is expected to disrupt ANO5 protein function with a positive predictive value of 95%. In summary, the available evidence is currently insufficient to determine the role of this variant in disease. Therefore, it has been classified as a Variant of Uncertain Significance.

Blueprint Genetics
Classification: Uncertain significance. Last evaluated: 2019-12-02. Review status: criteria provided, single submitter. Criteria: ACMG Guidelines, 2015. Collection method: clinical testing. Allele origin: germline.